The following is an entry in ClinVar:

NM_000368.5(TSC1):c.3427C>G (p.Pro1143Ala)

Gene: TSC1 (TSC complex subunit 1; minus strand). Cytogenetic location: 9q34.13.
Variant type: single nucleotide variant.
Coding change: c.3427C>G on transcript NM_000368.5 (MANE Select); coding-DNA position 3427, C replaced by G.
Protein change: p.Pro1143Ala; replaces proline 1143 with alanine.
Molecular consequence: missense variant.
Genome position (GRCh38, 1-based): chr9:132,896,303, G>C on the plus strand (C>G on the coding strand, the complement: TSC1 is on the minus strand). VCF-style: chr9-132896303-G-C. GRCh37 (hg19) VCF-style: chr9-135771690-G-C.
Other names: c.3424C>G, p.Pro1142Ala (NM_001162426.2, NM_001406597.1, NM_001406598.1 and 2 more transcripts); c.3274C>G, p.Pro1092Ala (NM_001162427.2, NM_001406610.1); c.3064C>G, p.Pro1022Ala (NM_001362177.2, NM_001406618.1, NM_001406619.1 and 4 more transcripts); c.3427C>G, p.Pro1143Ala (NM_001406592.1, NM_001406593.1, NM_001406594.1 and 2 more transcripts); c.3412C>G, p.Pro1138Ala (NM_001406601.1, NM_001406602.1); c.3409C>G, p.Pro1137Ala (NM_001406603.1, NM_001406604.1); c.3385C>G, p.Pro1129Ala (NM_001406605.1, NM_001406606.1, NM_001406607.1); c.3061C>G, p.Pro1021Ala (NM_001406620.1, NM_001406621.1, NM_001406622.1 and 1 more transcripts); and 8 more; short protein forms P1007A, P1008A, P1021A, P1022A, P1077A, P1091A, P1092A, P1128A.
Identifiers: ClinVar variation 2445416 (VCV002445416.4), dbSNP rs574823234, ClinGen allele CA036962.

ClinVar aggregate classification (germline): Conflicting classifications of pathogenicity. Review status: criteria provided, conflicting classifications (1 of 4 stars). 3 submissions from 3 submitters: Uncertain significance (1); Benign (1); Likely benign (1). Last evaluated 2025-09-30.

Conditions:
Ovarian cancer. Also called: OVARIAN CANCER, SOMATIC. Identifiers: Orphanet 213500, MedGen C1140680, MONDO:0008170, OMIM 167000.
Tuberous sclerosis 1 (TSC1). Identifiers: Orphanet 805, MedGen C1854465, MONDO:0008612, OMIM 191100.
Hereditary cancer-predisposing syndrome. Also called: Hereditary neoplastic syndrome; Tumor predisposition; Neoplastic Syndromes, Hereditary; Hereditary Cancer Syndrome. Identifiers: Orphanet 140162, MedGen C0027672, MeSH D009386, MONDO:0015356.

Allele frequency attached by ClinVar (database versions not stated): ExAC 0.00001; gnomAD 0.00001; 1000 Genomes Project 30x 0.00016; 1000 Genomes Project 0.00020.
gnomAD v4.1: 1 of 1,614,206 alleles (0.000062%); highest among the groups gnomAD compares: South Asian, 0.0011%; no homozygotes.

Submissions (3):

Ambry Genetics
Classification: Uncertain significance for Hereditary cancer-predisposing syndrome. Last evaluated: 2025-09-30. Review status: criteria provided, single submitter. Criteria: Ambry Variant Classification Scheme 2023. Collection method: clinical testing. Allele origin: germline.
Comment: The p.P1143A variant (also known as c.3427C>G), located in coding exon 21 of the TSC1 gene, results from a C to G substitution at nucleotide position 3427. The proline at codon 1143 is replaced by alanine, an amino acid with highly similar properties. This amino acid position is not well conserved in available vertebrate species. In addition, this alteration is predicted to be tolerated by in silico analysis. Based on the available evidence, the clinical significance of this variant remains unclear.

Labcorp Genetics (formerly Invitae), Labcorp
Classification: Likely benign for Tuberous sclerosis 1. Last evaluated: 2025-04-25. Review status: criteria provided, single submitter. Criteria: Invitae Variant Classification Sherloc (09022015). Collection method: clinical testing. Allele origin: germline.

Laboratory of Molecular Epidemiology of Birth Defects, West China Second University Hospital, Sichuan University
Classification: Benign for Ovarian cancer. Last evaluated: 2022-01-01. Review status: criteria provided, single submitter. Criteria: ACMG Guidelines, 2015. Collection method: clinical testing. Allele origin: germline. Affected: yes.